The following is an entry in ClinVar:

NM_001330311.2(DVL1):c.1333G>A (p.Val445Ile)

Gene: DVL1 (dishevelled segment polarity protein 1; minus strand). Cytogenetic location: 1p36.33.
Variant type: single nucleotide variant.
Coding change: c.1333G>A on transcript NM_001330311.2 (MANE Select); coding-DNA position 1333, G replaced by A.
Protein change: p.Val445Ile; replaces valine 445 with isoleucine.
Molecular consequence: missense variant.
Genome position (GRCh38, 1-based): chr1:1,338,528, C>T on the plus strand (G>A on the coding strand, the complement: DVL1 is on the minus strand). VCF-style: chr1-1338528-C-T. GRCh37 (hg19) VCF-style: chr1-1273908-C-T.
Other names: c.1258G>A, p.Val420Ile (NM_004421.3); c.1258G>A (NM_004421.2); short protein forms V420I, V445I.
Identifiers: ClinVar variation 3628830 (VCV003628830.3).

ClinVar aggregate classification (germline): Uncertain significance. Review status: criteria provided, multiple submitters, no conflicts (2 of 4 stars). 2 submissions from 2 submitters: Uncertain significance (2). Last evaluated 2025-07-15.

Conditions:
Inborn genetic diseases. Identifiers: MedGen C0950123, MeSH D030342.

Submissions (2):

Ambry Genetics
Classification: Uncertain significance for Inborn genetic diseases. Last evaluated: 2025-07-15. Review status: criteria provided, single submitter. Criteria: Ambry Variant Classification Scheme 2023. Collection method: clinical testing. Allele origin: germline.

Labcorp Genetics (formerly Invitae), Labcorp
Classification: Uncertain significance. Last evaluated: 2024-10-13. Review status: criteria provided, single submitter. Criteria: Invitae Variant Classification Sherloc (09022015). Collection method: clinical testing. Allele origin: germline.
Comment: This sequence change replaces valine, which is neutral and non-polar, with isoleucine, which is neutral and non-polar, at codon 420 of the DVL1 protein (p.Val420Ile). This variant is not present in population databases (gnomAD no frequency). This variant has not been reported in the literature in individuals affected with DVL1-related conditions. Invitae Evidence Modeling of protein sequence and biophysical properties (such as structural, functional, and spatial information, amino acid conservation, physicochemical variation, residue mobility, and thermodynamic stability) indicates that this missense variant is not expected to disrupt DVL1 protein function with a negative predictive value of 80%. In summary, the available evidence is currently insufficient to determine the role of this variant in disease. Therefore, it has been classified as a Variant of Uncertain Significance.